The following is an entry in ClinVar:

ClinVar aggregate classification (germline): Conflicting classifications of pathogenicity. Review status: criteria provided, conflicting classifications (1 of 4 stars). 5 submissions from 5 submitters: Uncertain significance (3); Likely benign (2). Last evaluated 2026-02-01.

Conditions:
Cardiovascular phenotype. Identifiers: MedGen CN230736.
Dilated cardiomyopathy 1W (CMD1W). Identifiers: Orphanet 154, MedGen C1969639, MONDO:0012667, OMIM 611407.

Allele frequency attached by ClinVar (database versions not stated): gnomAD 0.00004; TOPMed 0.00007; ESP Exome Variant Server 0.00008; ExAC 0.00012; gnomAD exomes 0.00012.
gnomAD v4.1: 89 of 1,614,082 alleles (0.0055%); highest among the groups gnomAD compares: Middle Eastern, 0.016%; no homozygotes.

Submissions (5):

Labcorp Genetics (formerly Invitae), Labcorp
Classification: Likely benign for Dilated cardiomyopathy 1W. Last evaluated: 2026-02-01. Review status: criteria provided, single submitter. Criteria: Invitae Variant Classification Sherloc (09022015). Collection method: clinical testing. Allele origin: germline.

Ambry Genetics
Classification: Likely benign for Cardiovascular phenotype. Last evaluated: 2025-12-03. Review status: criteria provided, single submitter. Criteria: Ambry Variant Classification Scheme 2023. Collection method: clinical testing. Allele origin: germline.

GeneDx
Classification: Uncertain significance. Last evaluated: 2020-10-02. Review status: criteria provided, single submitter. Criteria: GeneDx Variant Classification Process June 2021. Collection method: clinical testing. Allele origin: germline. Affected: yes.
Comment: Has not been previously published as pathogenic or benign to our knowledge; Reported in ClinVar, but additional evidence is not available (ClinVar Variant ID# 192105; Landrum et al., 2016); In silico analysis supports that this missense variant has a deleterious effect on protein structure/function

Illumina Laboratory Services, Illumina
Classification: Uncertain significance for Dilated cardiomyopathy 1W. Last evaluated: 2018-01-12. Review status: criteria provided, single submitter. Criteria: ICSL Variant Classification Criteria 13 December 2019. Collection method: clinical testing. Allele origin: germline.

Biesecker Lab/Clinical Genomics Section, National Institutes of Health
Classification: Uncertain significance. Last evaluated: 2013-06-24. Review status: criteria provided, single submitter. Criteria: Ng et al. (Circ Cardiovasc Genet. 2013). Collection method: research. Allele origin: unknown. Observed: 1 variant allele. Study: ClinSeq.
Comment: The study set was not selected for affection status in relation to any cancer. Pathogenicity categories were based on literature curation. See Pubmed ID:23861362 for details.

Medical sequencing

NM_014000.3(VCL):c.1607C>A (p.Pro536His)

Gene: VCL (vinculin; plus strand). Cytogenetic location: 10q22.2.
Variant type: single nucleotide variant.
Coding change: c.1607C>A on transcript NM_014000.3 (MANE Select); coding-DNA position 1607, C replaced by A.
Protein change: p.Pro536His; replaces proline 536 with histidine.
Molecular consequence: missense variant.
Genome position (GRCh38, 1-based): chr10:74,095,719, C>A. VCF-style: chr10-74095719-C-A. GRCh37 (hg19) VCF-style: chr10-75855477-C-A.
Other names: c.1607C>A, p.Pro536His (NM_003373.4); short protein forms P536H.
Identifiers: ClinVar variation 192105 (VCV000192105.20), dbSNP rs200624351, ClinGen allele CA238364.
Genomic context (GRCh38, chr10:74,095,719, plus strand): 5'-AGGCTGCCATCCGGGGGCTTGTGGCCGAAGGGCATCGTCTGGCTAATGTTATGATGGGGC[C>A]TTATCGGCAAGATCTTCTCGCCAAGTGTGACCGAGTGGACCAGCTGACAGCCCAGCTGGC-3'
Protein context (NP_054706.1, residues 526-546): GHRLANVMMG[Pro536His]YRQDLLAKCD